The following is an entry in ClinVar:

NM_001018071.4(FRMPD2):c.1051G>A (p.Gly351Arg)

Gene: FRMPD2 (FERM and PDZ domain containing 2; minus strand). Cytogenetic location: 10q11.22.
Variant type: single nucleotide variant.
Coding change: c.1051G>A on transcript NM_001018071.4 (MANE Select); coding-DNA position 1051, G replaced by A.
Protein change: p.Gly351Arg; replaces glycine 351 with arginine.
Molecular consequence: missense variant.
Genome position (GRCh38, 1-based): chr10:48,232,232, C>T on the plus strand (G>A on the coding strand, the complement: FRMPD2 is on the minus strand). VCF-style: chr10-48232232-C-T. GRCh37 (hg19) VCF-style: chr10-49440275-C-T.
Other names: c.979G>A, p.Gly327Arg (NM_001318191.1); short protein forms G327R, G351R.
Identifiers: ClinVar variation 2640443 (VCV002640443.24), dbSNP rs116143480, ClinGen allele CA5490158.
Genomic context (GRCh38, chr10:48,232,232, plus strand): 5'-CGGCATTGAAGACAGCTCCCACTGTTGATTCAACATCACATTTTACCTCCAGGTGCTGCC[C>T]GTTCAGCAGGACCACACAGAGGTCCCTGAGAGCCAAATAGGATTTCCCTTTTTTGGTCTG-3'
Protein context (NP_001018081.4, residues 341-361): LRDLCVVLLN[Gly351Arg]QHLEVKCDVE

ClinVar aggregate classification (germline): Likely benign (1 of 4 stars; one submission).

Allele frequency attached by ClinVar (database versions not stated): 1000 Genomes Project 30x 0.00219; 1000 Genomes Project 0.00220; TOPMed 0.00362; ESP Exome Variant Server 0.00431; gnomAD exomes 0.00547; gnomAD 0.00553; ExAC 0.00564.
gnomAD v4.1: 8,797 of 1,614,120 alleles (0.55%); highest among the groups gnomAD compares: Non-Finnish European, 0.56%; 25 homozygotes.

Submission:

CeGaT Center for Human Genetics Tuebingen
Classification: Likely benign. Last evaluated: 2023-03-01. Review status: criteria provided, single submitter. Criteria: CeGaT Center For Human Genetics Tuebingen Variant Classification Criteria Version 2. Collection method: clinical testing. Allele origin: germline. Affected: yes. Observed: 1 variant allele.
Comment: FRMPD2: BS2